The following is an entry in ClinVar:

NM_005202.4(COL8A2):c.1280G>T (p.Gly427Val)

Gene: COL8A2 (collagen type VIII alpha 2 chain; minus strand). Cytogenetic location: 1p34.3.
Variant type: single nucleotide variant.
Coding change: c.1280G>T on transcript NM_005202.4 (MANE Select); coding-DNA position 1280, G replaced by T.
Protein change: p.Gly427Val; replaces glycine 427 with valine.
Molecular consequence: missense variant.
Genome position (GRCh38, 1-based): chr1:36,098,401, C>A on the plus strand (G>T on the coding strand, the complement: COL8A2 is on the minus strand). VCF-style: chr1-36098401-C-A. GRCh37 (hg19) VCF-style: chr1-36564002-C-A.
Other names: c.1085G>T, p.Gly362Val (NM_001294347.2); short protein forms G362V, G427V.
Identifiers: ClinVar variation 1494266 (VCV001494266.6), dbSNP rs1643612359, ClinGen allele CA339395680.
Genomic context (GRCh38, chr1:36,098,401, plus strand): 5'-TTCTGCCCCAGGGCTCCTGCCACCCCTGGTCCTCCAGGGCGACCCGTGAAACCCGGCTCA[C>A]CCTTGGGCCCAGTTGGTCCAGGGGGTCCATGGGCCCCAGGAAGTCCCCTCTCACCTGGGA-3'
Protein context (NP_005193.1, residues 417-437): HGPPGPTGPK[Gly427Val]EPGFTGRPGG

ClinVar aggregate classification (germline): Uncertain significance (1 of 4 stars; one submission).

Submission:

Labcorp Genetics (formerly Invitae), Labcorp
Classification: Uncertain significance. Last evaluated: 2021-10-04. Review status: criteria provided, single submitter. Criteria: Invitae Variant Classification Sherloc (09022015). Collection method: clinical testing. Allele origin: germline.
Comment: This sequence change replaces glycine with valine at codon 427 of the COL8A2 protein (p.Gly427Val). The glycine residue is highly conserved and there is a moderate physicochemical difference between glycine and valine. This variant is not present in population databases (ExAC no frequency). In summary, the available evidence is currently insufficient to determine the role of this variant in disease. Therefore, it has been classified as a Variant of Uncertain Significance. Algorithms developed to predict the effect of sequence changes on RNA splicing suggest that this variant may create or strengthen a splice site. Algorithms developed to predict the effect of missense changes on protein structure and function are either unavailable or do not agree on the potential impact of this missense change (SIFT: "Deleterious"; PolyPhen-2: "Not Available"; Align-GVGD: "Class C0"). This variant has not been reported in the literature in individuals affected with COL8A2-related conditions.